The following is an entry in ClinVar:

ClinVar aggregate classification (germline): Likely pathogenic (1 of 4 stars; one submission).

Conditions:
SIN3A-related intellectual disability syndrome due to a point mutation. Also called: 15q24 Microdeletion Syndrome; WITTEVEEN-KOLK SYNDROME. Identifiers: Orphanet 500166, Orphanet 94065, MedGen C4310804, MONDO:0044700, OMIM 613406.

Submission:

Variantyx, Inc.
Classification: Likely pathogenic for SIN3A-related intellectual disability syndrome due to a point mutation. Last evaluated: 2025-07-18. Review status: criteria provided, single submitter. Criteria: Variantyx Assertion Criteria 2022. Collection method: clinical testing. Allele origin: germline. Inheritance: Autosomal dominant inheritance. Affected: yes.
Comment: This is a nonsense variant in the SIN3A gene (OMIM: 607776). Pathogenic variants in this gene have been associated with autosomal dominant Witteveen-Kolk syndrome. This variant introduces a premature termination codon in exon 15 out of 21 and is expected to result in loss of function, which is a known disease mechanism for SIN3A in this disorder (PMID: 27399968, 33437032) (PVS1). This variant is absent from control populations (PM2). Based on the current evidence, this variant is classified as likely pathogenic for autosomal dominant Witteveen-Kolk syndrome. Inheritance from an unaffected or mildly affected parent has been reported in the SIN3A gene, consistent with incomplete penetrance and/or variable expressivity (PMID: 27399968).

Literature cited by the submitters: PubMed 27399968; PubMed 33437032.

NM_001145358.2(SIN3A):c.2281_2303delinsTCTAGCC (p.Gln761fs)

Gene: SIN3A (SIN3 transcription regulator family member A; minus strand). Cytogenetic location: 15q24.2.
Variant type: Indel.
Coding change: c.2281_2303delinsTCTAGCC on transcript NM_001145358.2 (MANE Select); coding-DNA positions 2281 to 2303, CAAGAGCAGGCTACGGAGGAGAA replaced by TCTAGCC.
Protein change: p.Gln761fs; shifts the reading frame from glutamine 761.
Molecular consequence: frameshift variant.
Genome position (GRCh38, 1-based): chr15:75,392,790-75,392,812, TTCTCCTCCGTAGCCTGCTCTTG replaced by GGCTAGA on the plus strand (CAAGAGCAGGCTACGGAGGAGAA replaced by TCTAGCC on the coding strand, the reverse complement: SIN3A is on the minus strand). VCF-style: chr15-75392790-TTCTCCTCCGTAGCCTGCTCTTG-GGCTAGA. GRCh37 (hg19) VCF-style: chr15-75685131-TTCTCCTCCGTAGCCTGCTCTTG-GGCTAGA.
Other names: c.2281_2303delinsTCTAGCC, p.Gln761fs (NM_001145357.2, NM_001437462.1, NM_001437463.1 and 1 more transcripts); short protein forms Q761fs.
Identifiers: ClinVar variation 4850008 (VCV004850008.1).